The following is an entry in ClinVar:

ClinVar aggregate classification (germline): Uncertain significance (1 of 4 stars; one submission).

Conditions:
Gastrointestinal stromal tumor. Also called: Gastrointestinal stromal tumor, somatic; Gastrointestinal stroma tumor. Identifiers: Orphanet 44890, MedGen C0238198, MeSH D046152, MONDO:0011719, OMIM 606764, HP:0100723.

Allele frequency attached by ClinVar (database versions not stated): gnomAD exomes below 0.00001; ExAC 0.00001.
gnomAD v4.1: 1 of 1,233,586 alleles (0.000081%); highest among the groups gnomAD compares: South Asian, 0.0012%; no homozygotes.

Submission:

Labcorp Genetics (formerly Invitae), Labcorp
Classification: Uncertain significance for Gastrointestinal stromal tumor. Last evaluated: 2022-11-17. Review status: criteria provided, single submitter. Criteria: Invitae Variant Classification Sherloc (09022015). Collection method: clinical testing. Allele origin: germline.
Comment: In summary, the available evidence is currently insufficient to determine the role of this variant in disease. Therefore, it has been classified as a Variant of Uncertain Significance. Advanced modeling of protein sequence and biophysical properties (such as structural, functional, and spatial information, amino acid conservation, physicochemical variation, residue mobility, and thermodynamic stability) performed at Invitae indicates that this missense variant is not expected to disrupt PDGFRA protein function. This variant has not been reported in the literature in individuals affected with PDGFRA-related conditions. This variant is present in population databases (rs759510574, gnomAD 0.003%). This sequence change replaces leucine, which is neutral and non-polar, with phenylalanine, which is neutral and non-polar, at codon 891 of the PDGFRA protein (p.Leu891Phe).

NM_006206.6(PDGFRA):c.2671C>T (p.Leu891Phe)

Gene: PDGFRA (platelet derived growth factor receptor alpha; plus strand). Cytogenetic location: 4q12.
Variant type: single nucleotide variant.
Coding change: c.2671C>T on transcript NM_006206.6 (MANE Select); coding-DNA position 2671, C replaced by T.
Protein change: p.Leu891Phe; replaces leucine 891 with phenylalanine.
Molecular consequence: missense variant.
Genome position (GRCh38, 1-based): chr4:54,287,538, C>T. VCF-style: chr4-54287538-C-T. GRCh37 (hg19) VCF-style: chr4-55153705-C-T.
Other names: c.2746C>T, p.Leu916Phe (NM_001347828.2); c.2671C>T, p.Leu891Phe (NM_001347829.2); c.2710C>T, p.Leu904Phe (NM_001347830.2); short protein forms L904F, L916F, L891F.
Identifiers: ClinVar variation 2814968 (VCV002814968.3), dbSNP rs759510574, ClinGen allele CA2922916.